The following is an entry in ClinVar:

ClinVar aggregate classification (germline): Uncertain significance. Review status: criteria provided, multiple submitters, no conflicts (2 of 4 stars). 3 submissions from 3 submitters: Uncertain significance (3). Last evaluated 2025-10-01.

Conditions:
Hereditary cancer-predisposing syndrome. Also called: Hereditary Cancer Syndrome; Neoplastic Syndromes, Hereditary; Tumor predisposition; Hereditary neoplastic syndrome. Identifiers: Orphanet 140162, MedGen C0027672, MeSH D009386, MONDO:0015356.

Allele frequency attached by ClinVar (database versions not stated): TOPMed 0.00001.

Submissions (3):

Ambry Genetics
Classification: Uncertain significance for Hereditary cancer-predisposing syndrome. Last evaluated: 2025-10-01. Review status: criteria provided, single submitter. Criteria: Ambry Variant Classification Scheme 2023. Collection method: clinical testing. Allele origin: germline.
Comment: The p.L163I variant (also known as c.487C>A), located in coding exon 6 of the POLE gene, results from a C to A substitution at nucleotide position 487. The leucine at codon 163 is replaced by isoleucine, an amino acid with highly similar properties. This amino acid position is conserved. In addition, this alteration is predicted to be tolerated by in silico analysis. Since supporting evidence is limited at this time, the clinical significance of this alteration remains unclear.

Labcorp Genetics (formerly Invitae), Labcorp
Classification: Uncertain significance. Last evaluated: 2023-10-27. Review status: criteria provided, single submitter. Criteria: Invitae Variant Classification Sherloc (09022015). Collection method: clinical testing. Allele origin: germline.
Comment: This sequence change replaces leucine, which is neutral and non-polar, with isoleucine, which is neutral and non-polar, at codon 163 of the POLE protein (p.Leu163Ile). This variant is not present in population databases (gnomAD no frequency). This variant has not been reported in the literature in individuals affected with POLE-related conditions. ClinVar contains an entry for this variant (Variation ID: 1743761). Advanced modeling of protein sequence and biophysical properties (such as structural, functional, and spatial information, amino acid conservation, physicochemical variation, residue mobility, and thermodynamic stability) performed at Invitae indicates that this missense variant is expected to disrupt POLE protein function with a positive predictive value of 80%. In summary, the available evidence is currently insufficient to determine the role of this variant in disease. Therefore, it has been classified as a Variant of Uncertain Significance.

GeneDx
Classification: Uncertain significance. Last evaluated: 2023-01-10. Review status: criteria provided, single submitter. Criteria: GeneDx Variant Classification Process June 2021. Collection method: clinical testing. Allele origin: germline. Affected: yes.
Comment: Not observed at significant frequency in large population cohorts (gnomAD); In silico analysis supports that this missense variant does not alter protein structure/function; Has not been previously published as pathogenic or benign to our knowledge

NM_006231.4(POLE):c.487C>A (p.Leu163Ile)

Gene: POLE (DNA polymerase epsilon, catalytic subunit; minus strand). Cytogenetic location: 12q24.33.
Variant type: single nucleotide variant.
Coding change: c.487C>A on transcript NM_006231.4 (MANE Select); coding-DNA position 487, C replaced by A.
Protein change: p.Leu163Ile; replaces leucine 163 with isoleucine.
Molecular consequence: missense variant.
Genome position (GRCh38, 1-based): chr12:132,679,588, G>T on the plus strand (C>A on the coding strand, the complement: POLE is on the minus strand). VCF-style: chr12-132679588-G-T. GRCh37 (hg19) VCF-style: chr12-133256174-G-T.
Other names: short protein forms L163I.
Identifiers: ClinVar variation 1743761 (VCV001743761.7), dbSNP rs1593085166, ClinGen allele CA387367240.